The following is an entry in ClinVar:

ClinVar aggregate classification (germline): Uncertain significance (1 of 4 stars; one submission).

Conditions:
Landau-Kleffner syndrome (FESD). Also called: EPILEPSY, FOCAL, WITH SPEECH DISORDER AND WITH OR WITHOUT MENTAL RETARDATION; APHASIA, ACQUIRED, WITH EPILEPSY. Identifiers: Orphanet 1945, Orphanet 725, Orphanet 98818, MedGen C0282512, MONDO:0009509, OMIM 245570.

Submission:

3billion
Classification: Uncertain significance for Landau-Kleffner syndrome. Last evaluated: 2025-11-05. Review status: criteria provided, single submitter. Criteria: ACMG Guidelines, 2015. Collection method: clinical testing. Allele origin: germline. Affected: yes.
Comment: The variant is not observed in the gnomAD v4.1.0 dataset. Predicted Consequence/Location: Missense variant In silico tool predictions suggest damaging effect of the variant on gene or gene product [3Cnet: 0.97 (> 0.75, sensitivity 0.96 and precision 0.92)]. Different missense changes at the same codon have been reported as of uncertain significance (ClinVar ID: VCV002114307, VCV003522692). Therefore, this variant is classified as VUS according to the recommendation of ACMG/AMP guideline.

NM_001134407.3(GRIN2A):c.2091C>G (p.Asn697Lys)

Gene: GRIN2A (glutamate ionotropic receptor NMDA type subunit 2A; minus strand). Cytogenetic location: 16p13.2.
Variant type: single nucleotide variant.
Coding change: c.2091C>G on transcript NM_001134407.3 (MANE Select); coding-DNA position 2091, C replaced by G.
Protein change: p.Asn697Lys; replaces asparagine 697 with lysine.
Molecular consequence: missense variant.
Genome position (GRCh38, 1-based): chr16:9,822,341, G>C on the plus strand (C>G on the coding strand, the complement: GRIN2A is on the minus strand). VCF-style: chr16-9822341-G-C. GRCh37 (hg19) VCF-style: chr16-9916198-G-C.
Other names: c.2091C>G, p.Asn697Lys (NM_000833.5, NM_001134408.2); short protein forms N697K.
Identifiers: ClinVar variation 4854220 (VCV004854220.1).
Genomic context (GRCh38, chr16:9,822,341, plus strand): 5'-CAAGGCGTCCTCTACTCCTTTCTGATTAAATTTGGTCATGTACTGATGCATGTAGGGATA[G>C]TTATTCCGAATGTTTCTCTCCGTGCTTCCATTAGGCACTGTCCCAAATCGAAAAGGTGGG-3'
Protein context (NP_001127879.1, residues 687-707): NGSTERNIRN[Asn697Lys]YPYMHQYMTK